The following is an entry in ClinVar:

NM_000059.4(BRCA2):c.5505T>G (p.Asn1835Lys)

Gene: BRCA2 (BRCA2 DNA repair associated; plus strand). Cytogenetic location: 13q13.1.
Variant type: single nucleotide variant.
Coding change: c.5505T>G on transcript NM_000059.4 (MANE Select); coding-DNA position 5505, T replaced by G.
Protein change: p.Asn1835Lys; replaces asparagine 1835 with lysine.
Molecular consequence: missense variant.
Genome position (GRCh38, 1-based): chr13:32,339,860, T>G. VCF-style: chr13-32339860-T-G. GRCh37 (hg19) VCF-style: chr13-32913997-T-G.
Other names: short protein forms N1835K.
Identifiers: ClinVar variation 51874 (VCV000051874.13), dbSNP rs80358772, ClinGen allele CA022469.

ClinVar aggregate classification (germline): Conflicting classifications of pathogenicity. Review status: criteria provided, conflicting classifications (1 of 4 stars). 4 submissions from 4 submitters: Uncertain significance (2); Likely benign (1). 1 of the submissions does not count toward it. Last evaluated 2023-03-23.

Conditions:
Hereditary breast ovarian cancer syndrome. Also called: Hereditary breast and ovarian cancer syndrome; Hereditary breast and ovarian cancer; Hereditary breast and ovarian cancer syndrome (HBOC); Breast and ovarian cancer; Hereditary breast and/or ovarian cancer syndrome; BRCA1- and BRCA2-Associated Hereditary Breast and Ovarian Cancer. Identifiers: Orphanet 145, MedGen C0677776, MeSH D061325, MONDO:0003582. Disease mechanism: loss of function.
Hereditary cancer-predisposing syndrome. Also called: Neoplastic Syndromes, Hereditary; Tumor predisposition; Hereditary neoplastic syndrome; Hereditary Cancer Syndrome. Identifiers: Orphanet 140162, MedGen C0027672, MeSH D009386, MONDO:0015356.
Breast-ovarian cancer, familial, susceptibility to, 2 (BROVCA2). Also called: BRCA2 Hereditary Breast and Ovarian Cancer. Identifiers: Orphanet 145, MedGen C2675520, MONDO:0012933, OMIM 612555. Disease mechanism: loss of function.

Submissions (4):

University of Washington Department of Laboratory Medicine, University of Washington
Classification: Likely benign for Hereditary cancer-predisposing syndrome. Last evaluated: 2023-03-23. Review status: criteria provided, single submitter. Criteria: Dines et al. (Genet Med. 2020). Collection method: curation. Allele origin: germline.
Comment: Missense variant in a coldspot region where missense variants are very unlikely to be pathogenic (PMID:31911673).

BRCA2 exon 11 coldspot. Reclassification based on statistical prior probability.

Women's Health and Genetics/Laboratory Corporation of America, LabCorp
Classification: Uncertain significance. Last evaluated: 2019-10-11. Review status: criteria provided, single submitter. Criteria: LabCorp Variant Classification Summary - May 2015. Collection method: clinical testing. Allele origin: germline.
Comment: Variant summary: BRCA2 c.5505T>G (p.Asn1835Lys) results in a non-conservative amino acid change in the encoded protein sequence. Four of five in-silico tools predict a benign effect of the variant on protein function. The variant was absent in 250144 control chromosomes (gnomAD). The available data on variant occurrences in the general population are insufficient to allow any conclusion about variant significance. To our knowledge, no occurrence of c.5505T>G in individuals affected with Hereditary Breast and Ovarian Cancer and no experimental evidence demonstrating its impact on protein function have been reported. Co-occurrences with a pathogenic variant have been reported (BRCA2 c.6768T>A, p.Cys2256X; NHGRI BIC Database and LCA internal sample), providing supporting evidence for a benign role. No clinical diagnostic laboratories have submitted clinical-significance assessments for this variant to ClinVar after 2014. Based on the evidence outlined above, the variant was classified as VUS-possibly benign.

Labcorp Genetics (formerly Invitae), Labcorp
Classification: Uncertain significance for Hereditary breast ovarian cancer syndrome. Last evaluated: 2019-08-16. Review status: criteria provided, single submitter. Criteria: Invitae Variant Classification Sherloc (09022015). Collection method: clinical testing. Allele origin: germline.
Comment: In summary, the available evidence is currently insufficient to determine the role of this variant in disease. Therefore, it has been classified as a Variant of Uncertain Significance. Algorithms developed to predict the effect of missense changes on protein structure and function output the following: SIFT: "Tolerated"; PolyPhen-2: "Benign"; Align-GVGD: "Class C0". The lysine amino acid residue is found in multiple mammalian species, suggesting that this missense change does not adversely affect protein function. These predictions have not been confirmed by published functional studies and their clinical significance is uncertain. This variant has been observed in an individual in the Breast Cancer Information Core database (PMID: 10923033). ClinVar contains an entry for this variant (Variation ID: 51874). This variant is not present in population databases (ExAC no frequency). This sequence change replaces asparagine with lysine at codon 1835 of the BRCA2 protein (p.Asn1835Lys). The asparagine residue is weakly conserved and there is a moderate physicochemical difference between asparagine and lysine.

Breast Cancer Information Core (BIC) (BRCA2)
Classification: Uncertain significance for Breast-ovarian cancer, familial 2. Last evaluated: 2002-06-20. Review status: no assertion criteria provided. Collection method: clinical testing. Allele origin: germline. Affected: yes. Observed: 1 variant allele. Not counted in ClinVar's aggregate classification.

Literature cited by the submitters: PubMed 10923033 (cited by Labcorp Genetics (formerly Invitae), Labcorp).